The following is an entry in ClinVar:

NM_054027.6(ANKH):c.405C>T (p.Leu135=)

Gene: ANKH (ANKH inorganic pyrophosphate transport regulator; minus strand). Cytogenetic location: 5p15.2.
Variant type: single nucleotide variant.
Coding change: c.405C>T on transcript NM_054027.6 (MANE Select); coding-DNA position 405, C replaced by T.
Protein change: p.Leu135=; no amino-acid change (leucine 135 retained).
Molecular consequence: synonymous variant.
Genome position (GRCh38, 1-based): chr5:14,758,507, G>A on the plus strand (C>T on the coding strand, the complement: ANKH is on the minus strand). VCF-style: chr5-14758507-G-A. GRCh37 (hg19) VCF-style: chr5-14758616-G-A.
Identifiers: ClinVar variation 351555 (VCV000351555.17), dbSNP rs149656955, ClinGen allele CA3209139.

ClinVar aggregate classification (germline): Benign. Review status: criteria provided, multiple submitters, no conflicts (2 of 4 stars). 6 submissions from 5 submitters: Benign (6). Last evaluated 2026-01-20.

Conditions:
Chondrocalcinosis 2. Also called: CALCIUM GOUT; CALCIUM PYROPHOSPHATE ARTHROPATHY; Familial calcium pyrophosphate deposition. Identifiers: Orphanet 1416, MedGen C0856830, MONDO:0007319, OMIM 118600.
Craniometaphyseal dysplasia, autosomal dominant (CMDD). Identifiers: Orphanet 1522, MedGen C1852502, MONDO:0007397, OMIM 123000.

Allele frequency attached by ClinVar (database versions not stated): gnomAD exomes 0.00085; gnomAD 0.00943; ESP Exome Variant Server 0.01038; TOPMed 0.01110; 1000 Genomes Project 0.01198; 1000 Genomes Project 30x 0.01249.
gnomAD v4.1: 2,802 of 1,614,042 alleles (0.17%); highest among the groups gnomAD compares: African/African-American, 3.3%; 45 homozygotes.

Submissions (6):

Labcorp Genetics (formerly Invitae), Labcorp
Classification: Benign. Last evaluated: 2026-01-20. Review status: criteria provided, single submitter. Criteria: Invitae Variant Classification Sherloc (09022015). Collection method: clinical testing. Allele origin: germline.

Genome-Nilou Lab
Classification: Benign for Craniometaphyseal dysplasia, autosomal dominant. Last evaluated: 2021-12-05. Review status: criteria provided, single submitter. Criteria: ACMG Guidelines, 2015. Collection method: clinical testing. Allele origin: germline. Affected: no.

GeneDx
Classification: Benign. Last evaluated: 2020-02-13. Review status: criteria provided, single submitter. Criteria: GeneDx Variant Classification Process June 2021. Collection method: clinical testing. Allele origin: germline. Affected: yes.

Illumina Laboratory Services, Illumina
Classification: Benign for Craniometaphyseal dysplasia, autosomal dominant. Last evaluated: 2018-01-13. Review status: criteria provided, single submitter. Criteria: ICSL Variant Classification Criteria 13 December 2019. Collection method: clinical testing. Allele origin: germline.
Comment: This variant was observed in the ICSL laboratory as part of a predisposition screen in an ostensibly healthy population. It had not been previously curated by ICSL or reported in the Human Gene Mutation Database (HGMD: prior to June 1st, 2018), and was therefore a candidate for classification through an automated scoring system. Utilizing variant allele frequency, disease prevalence and penetrance estimates, and inheritance mode, an automated score was calculated to assess if this variant is too frequent to cause the disease. Based on the score and internal cut-off values, a variant classified as benign is not then subjected to further curation. The score for this variant resulted in a classification of benign for this disease.

Illumina Laboratory Services, Illumina
Classification: Benign for Chondrocalcinosis 2. Last evaluated: 2018-01-13. Review status: criteria provided, single submitter. Criteria: ICSL Variant Classification Criteria 13 December 2019. Collection method: clinical testing. Allele origin: germline.
Comment: the same text as in the submission from Illumina Laboratory Services, Illumina above.

Breakthrough Genomics
Classification: Benign. Review status: criteria provided, single submitter. Criteria: ACMG Guidelines, 2015. Collection method: not provided. Allele origin: germline. Inheritance: Autosomal dominant inheritance. Affected: yes.